The following is an entry in ClinVar:

ClinVar aggregate classification (germline): Likely pathogenic. Review status: criteria provided, multiple submitters, no conflicts (2 of 4 stars). 3 submissions from 3 submitters: Likely pathogenic (2). 1 of the submissions does not count toward it. Last evaluated 2025-12-09.

Conditions:
Spondylodysplastic Ehlers-Danlos syndrome. Identifiers: Orphanet 536471, Orphanet 75496, MedGen C5680154, MONDO:0007526.

Allele frequency attached by ClinVar (database versions not stated): gnomAD exomes 0.00001 and 0.00002; ExAC 0.00002.
gnomAD v4.1: 5 of 1,613,920 alleles (0.00031%); highest among the groups gnomAD compares: Non-Finnish European, 0.00034%; no homozygotes.

Submissions (3):

Department of Clinical Genetics, Copenhagen University Hospital, Rigshospitalet
Classification: Likely pathogenic for Spondylodysplastic Ehlers-Danlos syndrome. Last evaluated: 2025-12-09. Review status: criteria provided, single submitter. Criteria: ACMG Guidelines, 2015. Collection method: clinical testing. Allele origin: germline.
Comment: The following ACMG criteria has been used: PM2_sup, PP3_sup, PM3_strong

Women's Health and Genetics/Laboratory Corporation of America, LabCorp
Classification: Likely pathogenic for Spondylodysplastic Ehlers-Danlos syndrome. Last evaluated: 2025-11-10. Review status: criteria provided, single submitter. Criteria: LabCorp Variant Classification Summary - May 2015. Collection method: clinical testing. Allele origin: germline.
Comment: Variant summary: B4GALT7 c.557C>A (p.Ala186Asp) results in a non-conservative amino acid change in the encoded protein sequence. Algorithms developed to predict the effect of missense changes on protein structure and function are either unavailable or do not agree on the potential impact of this missense change. The variant allele was found at a frequency of 1.6e-05 in 251286 control chromosomes (gnomAD). c.557C>A has been observed in at least individual affected with progeroid type Ehlers-Danlos syndrome (Okajima_1999). Publications report experimental evidence evaluating an impact on protein function and this variant effect results in low activity (Okajima_1999, Almeida_1999, Bui_2010, Rahuel-Clermont_2010). The following publications have been ascertained in the context of this evaluation (PMID: 30914273, 20691685, 10506123, 20809901). ClinVar contains an entry for this variant (Variation ID: 5611). Based on the evidence outlined above, the variant was classified as likely pathogenic.

OMIM
Classification: Pathogenic for EHLERS-DANLOS SYNDROME, SPONDYLODYSPLASTIC TYPE, 1. Last evaluated: 1999-10-08. Review status: no assertion criteria provided. Collection method: literature only. Allele origin: germline. Not counted in ClinVar's aggregate classification.

Literature cited by the submitters: PubMed 10506123 (cited by 3 submitters); PubMed 20809901 (cited by Department of Clinical Genetics, Copenhagen University Hospital, Rigshospitalet and Women's Health and Genetics/Laboratory Corporation of America, LabCorp); PubMed 30914273 (cited by Women's Health and Genetics/Laboratory Corporation of America, LabCorp); PubMed 20691685 (cited by Women's Health and Genetics/Laboratory Corporation of America, LabCorp); PubMed 3631078 (cited by OMIM); PubMed 10473568 (cited by OMIM).

NM_007255.3(B4GALT7):c.557C>A (p.Ala186Asp)

Gene: B4GALT7 (beta-1,4-galactosyltransferase 7; plus strand). Cytogenetic location: 5q35.3.
Variant type: single nucleotide variant.
Coding change: c.557C>A on transcript NM_007255.3 (MANE Select); coding-DNA position 557, C replaced by A.
Protein change: p.Ala186Asp; replaces alanine 186 with aspartic acid.
Molecular consequence: missense variant.
Genome position (GRCh38, 1-based): chr5:177,607,445, C>A. VCF-style: chr5-177607445-C-A. GRCh37 (hg19) VCF-style: chr5-177034446-C-A.
Other names: B4GALT7, ALA186ASP; short protein forms A186D.
Identifiers: ClinVar variation 5611 (VCV000005611.3), dbSNP rs121917817, ClinGen allele CA117646.